The following is an entry in ClinVar:

ClinVar aggregate classification (germline): Likely benign (0 of 4 stars; one submission).

Conditions:
SH2B1-related disorder. Also called: SH2B1-related condition.

gnomAD v4.1: 15 of 1,613,536 alleles (0.00093%); highest among the groups gnomAD compares: East Asian, 0.011%; no homozygotes.

Submission:

PreventionGenetics, part of Exact Sciences
Classification: Likely benign for SH2B1-related condition. Last evaluated: 2020-02-11. Review status: no assertion criteria provided. Collection method: clinical testing. Allele origin: germline.
Comment: This variant is classified as likely benign based on ACMG/AMP sequence variant interpretation guidelines (Richards et al. 2015 PMID: 25741868, with internal and published modifications).

NM_001387430.1(SH2B1):c.543C>T (p.Ser181=)

Gene: SH2B1 (SH2B adaptor protein 1; plus strand). Cytogenetic location: 16p11.2.
Variant type: single nucleotide variant.
Coding change: c.543C>T on transcript NM_001387430.1 (MANE Select); coding-DNA position 543, C replaced by T.
Protein change: p.Ser181=; no amino-acid change (serine 181 retained).
Molecular consequence: synonymous variant. On other transcripts: intron variant (1).
Genome position (GRCh38, 1-based): chr16:28,866,637, C>T. VCF-style: chr16-28866637-C-T. GRCh37 (hg19) VCF-style: chr16-28877958-C-T.
Other names: c.543C>T, p.Ser181= (NM_001145795.2, NM_001145796.2, NM_001145797.2 and 4 more transcripts); c.-26-737C>T (NM_001308294.2).
Identifiers: ClinVar variation 3348821 (VCV003348821.1).